The following is an entry in ClinVar:

NM_000090.4(COL3A1):c.2024G>A (p.Gly675Asp)

Gene: COL3A1 (collagen type III alpha 1 chain; plus strand). Cytogenetic location: 2q32.2.
Variant type: single nucleotide variant.
Coding change: c.2024G>A on transcript NM_000090.4 (MANE Select); coding-DNA position 2024, G replaced by A.
Protein change: p.Gly675Asp; replaces glycine 675 with aspartic acid.
Molecular consequence: missense variant.
Genome position (GRCh38, 1-based): chr2:188,999,286, G>A. VCF-style: chr2-188999286-G-A. GRCh37 (hg19) VCF-style: chr2-189864012-G-A.
Other names: short protein forms G675D.
Identifiers: ClinVar variation 4724683 (VCV004724683.1).

ClinVar aggregate classification (germline): Likely pathogenic (1 of 4 stars; one submission).

Conditions:
Ehlers-Danlos syndrome, type 4 (EDSVASC). Also called: Ehlers-Danlos syndrome vascular type; Ehlers Danlos syndrome, ecchymotic type; Ehlers Danlos syndrome, arterial type; Ehlers Danlos syndrome, Sack-Barabas type; Ehlers-Danlos Syndrome Type IV. Identifiers: Orphanet 286, MedGen C0268338, MONDO:0017314, OMIM 130050.

Submission:

Labcorp Genetics (formerly Invitae), Labcorp
Classification: Likely pathogenic for Ehlers-Danlos syndrome, type 4. Last evaluated: 2025-08-03. Review status: criteria provided, single submitter. Criteria: Invitae Variant Classification Sherloc (09022015). Collection method: clinical testing. Allele origin: germline.
Comment: This sequence change replaces glycine, which is neutral and non-polar, with aspartic acid, which is acidic and polar, at codon 675 of the COL3A1 protein (p.Gly675Asp). This variant is not present in population databases (gnomAD no frequency). This variant has not been reported in the literature in individuals affected with COL3A1-related conditions. Experimental studies and prediction algorithms are not available or were not evaluated, and the functional significance of this variant is currently unknown. This variant disrupts the triple helix domain of COL3A1. Glycine residues within the Gly-Xaa-Yaa repeats of the triple helix domain are required for the structure and stability of fibrillar collagens (PMID: 7695699, 8218237, 19344236). In COL3A1, variants that affect these glycine residues are significantly enriched in individuals with disease (PMID: 24922459, 25758994) compared to the general population (ExAC). In summary, the currently available evidence indicates that the variant is pathogenic, but additional data are needed to prove that conclusively. Therefore, this variant has been classified as Likely Pathogenic.

Literature cited by the submitters: PubMed 7695699; PubMed 8218237; PubMed 19344236; PubMed 24922459; PubMed 25758994.